The following is an entry in ClinVar:

NM_015466.4(PTPN23):c.420G>A (p.Met140Ile)

Gene: PTPN23 (protein tyrosine phosphatase non-receptor type 23; plus strand). Cytogenetic location: 3p21.31.
Variant type: single nucleotide variant.
Coding change: c.420G>A on transcript NM_015466.4 (MANE Select); coding-DNA position 420, G replaced by A.
Protein change: p.Met140Ile; replaces methionine 140 with isoleucine.
Molecular consequence: missense variant.
Genome position (GRCh38, 1-based): chr3:47,405,920, G>A. VCF-style: chr3-47405920-G-A. GRCh37 (hg19) VCF-style: chr3-47447410-G-A.
Other names: c.42G>A, p.Met14Ile (NM_001304482.2); c.420G>A (NM_015466.2); short protein forms M140I, M14I.
Identifiers: ClinVar variation 2101755 (VCV002101755.5), dbSNP rs2546238894, ClinGen allele CA352542909.

ClinVar aggregate classification (germline): Uncertain significance. Review status: criteria provided, multiple submitters, no conflicts (2 of 4 stars). 2 submissions from 2 submitters: Uncertain significance (2). Last evaluated 2025-10-30.

Conditions:
Inborn genetic diseases. Identifiers: MedGen C0950123, MeSH D030342.

Submissions (2):

Ambry Genetics
Classification: Uncertain significance for Inborn genetic diseases. Last evaluated: 2025-10-30. Review status: criteria provided, single submitter. Criteria: Ambry Variant Classification Scheme 2023. Collection method: clinical testing. Allele origin: germline.

Labcorp Genetics (formerly Invitae), Labcorp
Classification: Uncertain significance. Last evaluated: 2023-10-03. Review status: criteria provided, single submitter. Criteria: Invitae Variant Classification Sherloc (09022015). Collection method: clinical testing. Allele origin: germline.
Comment: This sequence change replaces methionine, which is neutral and non-polar, with isoleucine, which is neutral and non-polar, at codon 140 of the PTPN23 protein (p.Met140Ile). This variant is not present in population databases (gnomAD no frequency). This variant has not been reported in the literature in individuals affected with PTPN23-related conditions. ClinVar contains an entry for this variant (Variation ID: 2101755). Experimental studies and prediction algorithms are not available or were not evaluated, and the functional significance of this variant is currently unknown. Algorithms developed to predict the effect of sequence changes on RNA splicing suggest that this variant may disrupt the consensus splice site. In summary, the available evidence is currently insufficient to determine the role of this variant in disease. Therefore, it has been classified as a Variant of Uncertain Significance.